The following is an entry in ClinVar:

NM_198859.4(PRICKLE2):c.427G>A (p.Ala143Thr)

Gene: PRICKLE2 (prickle planar cell polarity protein 2; minus strand). Cytogenetic location: 3p14.1.
Variant type: single nucleotide variant.
Coding change: c.427G>A on transcript NM_198859.4 (MANE Select); coding-DNA position 427, G replaced by A.
Protein change: p.Ala143Thr; replaces alanine 143 with threonine.
Molecular consequence: missense variant.
Genome position (GRCh38, 1-based): chr3:64,157,335, C>T on the plus strand (G>A on the coding strand, the complement: PRICKLE2 is on the minus strand). VCF-style: chr3-64157335-C-T. GRCh37 (hg19) VCF-style: chr3-64143011-C-T.
Other names: c.427G>A, p.Ala143Thr (NM_001370528.1); short protein forms A143T.
Identifiers: ClinVar variation 846062 (VCV000846062.8), dbSNP rs372791530, ClinGen allele CA2479818.

ClinVar aggregate classification (germline): Uncertain significance. Review status: criteria provided, multiple submitters, no conflicts (2 of 4 stars). 2 submissions from 2 submitters: Uncertain significance (2). Last evaluated 2021-09-27.

Conditions:
Progressive myoclonic epilepsy type 5. Identifiers: Orphanet 402082, MedGen C5190799.

Allele frequency attached by ClinVar (database versions not stated): gnomAD 0.00001 and 0.00002; gnomAD exomes 0.00001; ExAC 0.00002; TOPMed 0.00002; ESP Exome Variant Server 0.00008.
gnomAD v4.1: 20 of 1,613,460 alleles (0.0012%); highest among the groups gnomAD compares: Admixed American, 0.0033%; no homozygotes.

Submissions (2):

Ambry Genetics
Classification: Uncertain significance. Last evaluated: 2021-09-27. Review status: criteria provided, single submitter. Criteria: Ambry Variant Classification Scheme 2023. Collection method: clinical testing. Allele origin: germline.

Labcorp Genetics (formerly Invitae), Labcorp
Classification: Uncertain significance for Progressive myoclonic epilepsy type 5. Last evaluated: 2019-02-04. Review status: criteria provided, single submitter. Criteria: Invitae Variant Classification Sherloc (09022015). Collection method: clinical testing. Allele origin: germline.
Comment: This sequence change replaces alanine with threonine at codon 143 of the PRICKLE2 protein (p.Ala143Thr). The alanine residue is highly conserved and there is a small physicochemical difference between alanine and threonine. This variant is present in population databases (rs372791530, ExAC 0.01%). This variant has not been reported in the literature in individuals with PRICKLE2-related conditions. Algorithms developed to predict the effect of missense changes on protein structure and function are either unavailable or do not agree on the potential impact of this missense change (SIFT: "Deleterious"; PolyPhen-2: "Benign"; Align-GVGD: "Class C0"). In summary, the available evidence is currently insufficient to determine the role of this variant in disease. Therefore, it has been classified as a Variant of Uncertain Significance.